The following is an entry in ClinVar:

ClinVar aggregate classification (germline): Pathogenic (1 of 4 stars; one submission).

Submission:

Labcorp Genetics (formerly Invitae), Labcorp
Classification: Pathogenic. Last evaluated: 2021-07-02. Review status: criteria provided, single submitter. Criteria: Invitae Variant Classification Sherloc (09022015). Collection method: clinical testing. Allele origin: germline.
Comment: For these reasons, this variant has been classified as Pathogenic. This variant has not been reported in the literature in individuals affected with TYMP-related conditions. The frequency data for this variant in the population databases is considered unreliable, as metrics indicate insufficient coverage at this position in the ExAC database. This sequence change creates a premature translational stop signal (p.Glu288Glyfs*16) in the TYMP gene. It is expected to result in an absent or disrupted protein product. Loss-of-function variants in TYMP are known to be pathogenic (PMID: 9924029, 15781193).

Literature cited by the submitters: PubMed 9924029; PubMed 15781193.

NM_001953.5(TYMP):c.861_862dup (p.Glu288fs)

Gene: TYMP (thymidine phosphorylase; minus strand). Cytogenetic location: 22q13.33.
Variant type: Duplication.
Coding change: c.861_862dup on transcript NM_001953.5 (MANE Select); coding-DNA positions 861 to 862, 2 bases duplicated (GG; older notation c.861_862dupGG).
Protein change: p.Glu288fs; shifts the reading frame from glutamic acid 288.
Molecular consequence: frameshift variant.
Genome position (GRCh38, 1-based): chr22:50,526,642-50,526,643, CC duplicated on the plus strand (GG on the coding strand, the reverse complement: TYMP is on the minus strand). VCF-style (leftmost placement, unchanged base first): chr22-50526641-T-TCC. GRCh37 (hg19) VCF-style: chr22-50965070-T-TCC.
Other names: c.861_862dup, p.Glu288fs (NM_001113755.3, NM_001113756.3, NM_001257988.1 and 1 more transcripts); short protein forms E288fs.
Identifiers: ClinVar variation 1451682 (VCV001451682.6), dbSNP rs2148678704, ClinGen allele CA2573158298.
Genomic context (GRCh38, chr22:50,526,641, plus strand): 5'-GTGGTGACCAGGTCCCTTAAGTCTGGCGGGCCTGCGCCGTCCATGCAGAGCAGCGCCTCC[T>TCC]CCACCTCCAGGGCGTGGCCCACGCAGCGACCCAGGGGCTTGTCCATGGCGGTCAGCGCTG-3'